The following is an entry in ClinVar:

NM_001105206.3(LAMA4):c.1158G>T (p.Glu386Asp)

Gene: LAMA4 (laminin subunit alpha 4; minus strand). Cytogenetic location: 6q21.
Variant type: single nucleotide variant.
Coding change: c.1158G>T on transcript NM_001105206.3 (MANE Select); coding-DNA position 1158, G replaced by T.
Protein change: p.Glu386Asp; replaces glutamic acid 386 with aspartic acid.
Molecular consequence: missense variant.
Genome position (GRCh38, 1-based): chr6:112,178,152, C>A on the plus strand (G>T on the coding strand, the complement: LAMA4 is on the minus strand). VCF-style: chr6-112178152-C-A. GRCh37 (hg19) VCF-style: chr6-112499354-C-A.
Other names: c.1137G>T, p.Glu379Asp (NM_001105207.3, NM_002290.5); short protein forms E379D, E386D.
Identifiers: ClinVar variation 2421318 (VCV002421318.6), dbSNP rs147894075, ClinGen allele CA3965845.

ClinVar aggregate classification (germline): Uncertain significance (1 of 4 stars; one submission).

Conditions:
Dilated cardiomyopathy 1JJ (CMD1JJ). Identifiers: Orphanet 154, MedGen C3808935, MONDO:0014095, OMIM 615235.

gnomAD v4.1: 1 of 1,613,676 alleles (0.000062%); highest among the groups gnomAD compares: Admixed American, 0.0017%; no homozygotes.

Submission:

Labcorp Genetics (formerly Invitae), Labcorp
Classification: Uncertain significance for Dilated cardiomyopathy 1JJ. Last evaluated: 2022-04-18. Review status: criteria provided, single submitter. Criteria: Invitae Variant Classification Sherloc (09022015). Collection method: clinical testing. Allele origin: germline.
Comment: Algorithms developed to predict the effect of missense changes on protein structure and function (SIFT, PolyPhen-2, Align-GVGD) all suggest that this variant is likely to be tolerated. In summary, the available evidence is currently insufficient to determine the role of this variant in disease. Therefore, it has been classified as a Variant of Uncertain Significance. This sequence change replaces glutamic acid, which is acidic and polar, with aspartic acid, which is acidic and polar, at codon 379 of the LAMA4 protein (p.Glu379Asp). This variant is present in population databases (rs147894075, gnomAD 0.006%). This variant has not been reported in the literature in individuals affected with LAMA4-related conditions.